The following is an entry in ClinVar:

ClinVar aggregate classification (germline): Likely pathogenic (1 of 4 stars; one submission).

Conditions:
Rubinstein-Taybi syndrome due to CREBBP mutations (RSTS1). Also called: BROAD THUMB-HALLUX SYNDROME; RUBINSTEIN-TAYBI SYNDROME 1, INCOMPLETE; Rubinstein-Taybi syndrome 1; BROAD THUMBS AND GREAT TOES, CHARACTERISTIC FACIES, AND IMPAIRED INTELLECTUAL DEVELOPMENT; RUBINSTEIN SYNDROME; CREBBP-Related Rubinstein-Taybi Syndrome. Identifiers: Orphanet 353277, Orphanet 783, MedGen C4551859, MONDO:0008393, OMIM 180849.

Submission:

Greenwood Genetic Center Diagnostic Laboratories, Greenwood Genetic Center
Classification: Likely pathogenic for Rubinstein-Taybi syndrome due to CREBBP mutations. Last evaluated: 2021-12-09. Review status: criteria provided, single submitter. Criteria: ACMG Guidelines, 2015. Collection method: clinical testing. Allele origin: germline. Affected: yes.
Comment: PVS1, PM2

NM_004380.3(CREBBP):c.3940A>T (p.Lys1314Ter)

Gene: CREBBP (CREB binding lysine acetyltransferase; minus strand). Cytogenetic location: 16p13.3.
Variant type: single nucleotide variant.
Coding change: c.3940A>T on transcript NM_004380.3 (MANE Select); coding-DNA position 3940, A replaced by T.
Protein change: p.Lys1314Ter; replaces lysine 1314 with a stop codon.
Molecular consequence: nonsense.
Genome position (GRCh38, 1-based): chr16:3,744,936, T>A on the plus strand (A>T on the coding strand, the complement: CREBBP is on the minus strand). VCF-style: chr16-3744936-T-A. GRCh37 (hg19) VCF-style: chr16-3794937-T-A.
Other names: c.3826A>T, p.Lys1276Ter (NM_001079846.1); short protein forms K1276*, K1314*.
Identifiers: ClinVar variation 1334702 (VCV001334702.4), dbSNP rs2151354104, ClinGen allele CA394566640.